The following is an entry in ClinVar:

NM_001018005.2(TPM1):c.283G>A (p.Val95Ile)

Gene: TPM1 (tropomyosin 1; plus strand). Cytogenetic location: 15q22.2.
Variant type: single nucleotide variant.
Coding change: c.283G>A on transcript NM_001018005.2 (MANE Select); coding-DNA position 283, G replaced by A.
Protein change: p.Val95Ile; replaces valine 95 with isoleucine.
Molecular consequence: missense variant.
Genome position (GRCh38, 1-based): chr15:63,057,027, G>A. VCF-style: chr15-63057027-G-A. GRCh37 (hg19) VCF-style: chr15-63349226-G-A.
Other names: c.175G>A, p.Val59Ile (NM_001407340.1, NM_001407341.1, NM_001407342.1 and 9 more transcripts); c.283G>A, p.Val95Ile (NM_000366.6, NM_001018004.2, NM_001018006.2 and 20 more transcripts); c.409G>A, p.Val137Ile (NM_001365778.1, NM_001407322.1, NM_001407323.1 and 1 more transcripts); short protein forms V137I, V59I, V95I.
Identifiers: ClinVar variation 2077807 (VCV002077807.6), dbSNP rs2140907954, ClinGen allele CA392720768.

ClinVar aggregate classification (germline): Uncertain significance. Review status: criteria provided, multiple submitters, no conflicts (2 of 4 stars). 2 submissions from 2 submitters: Uncertain significance (2). Last evaluated 2025-08-06.

Conditions:
Hypertrophic cardiomyopathy. Also called: HYPERTROPHIC MYOCARDIOPATHY. Identifiers: Orphanet 217569, MedGen C0007194, MeSH D002312, MONDO:0005045, HP:0001639.

Submissions (2):

Dasa
Classification: Uncertain significance. Last evaluated: 2025-08-06. Review status: criteria provided, single submitter. Criteria: DASA Assertion Criteria. Collection method: clinical testing. Allele origin: germline.
Comment: NM_001018005.2(TPM1):c.283G>A (p.Val95Ile) is a missense variant that results in the substitution of valine with isoleucine. The affected residue or protein region has prior evidence supporting clinical relevance. This variant has been reported in individuals with TPM1-related disorders (PMID: 19659763). Also, this variant is absent from population databases. The currently available literature and clinical evidence are not sufficient to establish a definitive association between this variant and the reported condition. Therefore, this variant is classified as a variant of uncertain significance.

Labcorp Genetics (formerly Invitae), Labcorp
Classification: Uncertain significance for Hypertrophic cardiomyopathy. Last evaluated: 2022-02-20. Review status: criteria provided, single submitter. Criteria: Invitae Variant Classification Sherloc (09022015). Collection method: clinical testing. Allele origin: germline.
Comment: This variant disrupts the p.Val95 amino acid residue in TPM1. Other variant(s) that disrupt this residue have been determined to be pathogenic (PMID: 11136687, 21295541, 21320446, 22187526). This suggests that this residue is clinically significant, and that variants that disrupt this residue are likely to be disease-causing. In summary, the available evidence is currently insufficient to determine the role of this variant in disease. Therefore, it has been classified as a Variant of Uncertain Significance. Algorithms developed to predict the effect of missense changes on protein structure and function are either unavailable or do not agree on the potential impact of this missense change (SIFT: "Tolerated"; PolyPhen-2: "Probably Damaging"; Align-GVGD: "Class C0"). This missense change has been observed in individual(s) with dilated cardiomyopathy (Invitae). This variant is not present in population databases (gnomAD no frequency). This sequence change replaces valine, which is neutral and non-polar, with isoleucine, which is neutral and non-polar, at codon 95 of the TPM1 protein (p.Val95Ile).

Literature cited by the submitters: PubMed 19659763 (cited by Dasa); PubMed 11136687 (cited by Labcorp Genetics (formerly Invitae), Labcorp); PubMed 21295541 (cited by Labcorp Genetics (formerly Invitae), Labcorp); PubMed 21320446 (cited by Labcorp Genetics (formerly Invitae), Labcorp); PubMed 22187526 (cited by Labcorp Genetics (formerly Invitae), Labcorp).